The following is an entry in ClinVar:

ClinVar aggregate classification (germline): Conflicting classifications of pathogenicity. Review status: criteria provided, conflicting classifications (1 of 4 stars). 3 submissions from 3 submitters: Uncertain significance (2); Likely benign (1). Last evaluated 2026-02-01.

Conditions:
Inborn genetic diseases. Identifiers: MedGen C0950123, MeSH D030342.
Familial cold autoinflammatory syndrome 3 (FCAS3). Also called: FAMILIAL ATYPICAL COLD URTICARIA; ANTIBODY DEFICIENCY AND IMMUNE DYSREGULATION, PLCG2-ASSOCIATED. Identifiers: Orphanet 300359, MedGen C3280914, MONDO:0013766, OMIM 614468.
Autoinflammation-PLCG2-associated antibody deficiency-immune dysregulation. Also called: AUTOINFLAMMATION, ANTIBODY DEFICIENCY, AND IMMUNE DYSREGULATION; Autoinflammation, antibody deficiency, and immune dysregulation syndrome; Autoinflammation, antibody deficiency, and immune dysregulation, plcg2-associated. Identifiers: Orphanet 324530, MedGen C3553961, MONDO:0013944, OMIM 614878.

Allele frequency attached by ClinVar (database versions not stated): gnomAD 0.00003 and 0.00004; TOPMed 0.00004; ESP Exome Variant Server 0.00008.
gnomAD v4.1: 21 of 1,613,904 alleles (0.0013%); highest among the groups gnomAD compares: Non-Finnish European, 0.0016%; no homozygotes.

Submissions (3):

Labcorp Genetics (formerly Invitae), Labcorp
Classification: Uncertain significance for Familial cold autoinflammatory syndrome 3. Last evaluated: 2026-02-01. Review status: criteria provided, single submitter. Criteria: Invitae Variant Classification Sherloc (09022015). Collection method: clinical testing. Allele origin: germline.
Comment: This sequence change replaces proline, which is neutral and non-polar, with serine, which is neutral and polar, at codon 1115 of the PLCG2 protein (p.Pro1115Ser). This variant is present in population databases (rs372606303, gnomAD 0.002%). This variant has not been reported in the literature in individuals affected with PLCG2-related conditions. ClinVar contains an entry for this variant (Variation ID: 859161). An algorithm developed to predict the effect of missense changes on protein structure and function outputs the following: PolyPhen-2: "Benign". The serine amino acid residue is found in multiple mammalian species, which suggests that this missense change does not adversely affect protein function. In summary, the available evidence is currently insufficient to determine the role of this variant in disease. Therefore, it has been classified as a Variant of Uncertain Significance.

Ambry Genetics
Classification: Likely benign for Inborn genetic diseases. Last evaluated: 2023-12-19. Review status: criteria provided, single submitter. Criteria: Ambry Variant Classification Scheme 2023. Collection method: clinical testing. Allele origin: germline.

Fulgent Genetics
Classification: Uncertain significance for Familial cold autoinflammatory syndrome 3; Autoinflammation-PLCG2-associated antibody deficiency-immune dysregulation. Last evaluated: 2021-10-14. Review status: criteria provided, single submitter. Criteria: ACMG Guidelines, 2015. Collection method: clinical testing. Allele origin: unknown.

NM_002661.5(PLCG2):c.3343C>T (p.Pro1115Ser)

Gene: PLCG2 (phospholipase C gamma 2; plus strand). Cytogenetic location: 16q23.3.
Variant type: single nucleotide variant.
Coding change: c.3343C>T on transcript NM_002661.5 (MANE Select); coding-DNA position 3343, C replaced by T.
Protein change: p.Pro1115Ser; replaces proline 1115 with serine.
Molecular consequence: missense variant.
Genome position (GRCh38, 1-based): chr16:81,939,921, C>T. VCF-style: chr16-81939921-C-T. GRCh37 (hg19) VCF-style: chr16-81973526-C-T.
Other names: c.3343C>T (NM_002661.3); short protein forms P1115S.
Identifiers: ClinVar variation 859161 (VCV000859161.12), dbSNP rs372606303, ClinGen allele CA8194693.